The following is an entry in ClinVar:

ClinVar aggregate classification (germline): Uncertain significance (1 of 4 stars; one submission).

Conditions:
Hereditary cancer-predisposing syndrome. Also called: Tumor predisposition; Hereditary Cancer Syndrome; Neoplastic Syndromes, Hereditary; Hereditary neoplastic syndrome. Identifiers: Orphanet 140162, MedGen C0027672, MeSH D009386, MONDO:0015356.

Submission:

Ambry Genetics
Classification: Uncertain significance for Hereditary cancer-predisposing syndrome. Last evaluated: 2025-11-05. Review status: criteria provided, single submitter. Criteria: Ambry Variant Classification Scheme 2023. Collection method: clinical testing. Allele origin: germline.
Comment: The p.P945S variant (also known as c.2833C>T), located in coding exon 12 of the MET gene, results from a C to T substitution at nucleotide position 2833. The proline at codon 945 is replaced by serine, an amino acid with similar properties. This amino acid position is not well conserved in available vertebrate species. In addition, this alteration is predicted to be tolerated by in silico analysis. Based on the available evidence, the clinical significance of this variant remains unclear.

NM_000245.4(MET):c.2779C>T (p.Pro927Ser)

Gene: MET (MET proto-oncogene, receptor tyrosine kinase; plus strand). Cytogenetic location: 7q31.2.
Variant type: single nucleotide variant.
Coding change: c.2779C>T on transcript NM_000245.4 (MANE Select); coding-DNA position 2779, C replaced by T.
Protein change: p.Pro927Ser; replaces proline 927 with serine.
Molecular consequence: missense variant.
Genome position (GRCh38, 1-based): chr7:116,771,546, C>T. VCF-style: chr7-116771546-C-T. GRCh37 (hg19) VCF-style: chr7-116411600-C-T.
Other names: c.2833C>T, p.Pro945Ser (NM_001127500.3); c.1489C>T, p.Pro497Ser (NM_001324402.2); short protein forms P927S, P945S, P497S.
Identifiers: ClinVar variation 1796614 (VCV001796614.3), dbSNP rs2116991972, ClinGen allele CA368986318.